The following is an entry in ClinVar:

ClinVar aggregate classification (germline): Uncertain significance. Review status: criteria provided, multiple submitters, no conflicts (2 of 4 stars). 2 submissions from 2 submitters: Uncertain significance (2). Last evaluated 2025-01-09.

Conditions:
Inborn genetic diseases. Identifiers: MedGen C0950123, MeSH D030342.

Allele frequency attached by ClinVar (database versions not stated): gnomAD exomes below 0.00001; gnomAD 0.00001; TOPMed 0.00002.
gnomAD v4.1: 2 of 1,613,972 alleles (0.00012%); highest among the groups gnomAD compares: Admixed American, 0.0017%; no homozygotes.

Submissions (2):

Ambry Genetics
Classification: Uncertain significance for Inborn genetic diseases. Last evaluated: 2025-01-09. Review status: criteria provided, single submitter. Criteria: Ambry Variant Classification Scheme 2023. Collection method: clinical testing. Allele origin: germline.

Labcorp Genetics (formerly Invitae), Labcorp
Classification: Uncertain significance. Last evaluated: 2022-05-09. Review status: criteria provided, single submitter. Criteria: Invitae Variant Classification Sherloc (09022015). Collection method: clinical testing. Allele origin: germline.
Comment: In summary, the available evidence is currently insufficient to determine the role of this variant in disease. Therefore, it has been classified as a Variant of Uncertain Significance. Algorithms developed to predict the effect of missense changes on protein structure and function (SIFT, PolyPhen-2, Align-GVGD) all suggest that this variant is likely to be disruptive. This variant has not been reported in the literature in individuals affected with USH2A-related conditions. This variant is not present in population databases (gnomAD no frequency). This sequence change replaces isoleucine, which is neutral and non-polar, with serine, which is neutral and polar, at codon 2759 of the USH2A protein (p.Ile2759Ser).

NM_206933.4(USH2A):c.8276T>G (p.Ile2759Ser)

Gene: USH2A (usherin; minus strand). Cytogenetic location: 1q41.
Variant type: single nucleotide variant.
Coding change: c.8276T>G on transcript NM_206933.4 (MANE Select); coding-DNA position 8276, T replaced by G.
Protein change: p.Ile2759Ser; replaces isoleucine 2759 with serine.
Molecular consequence: missense variant.
Genome position (GRCh38, 1-based): chr1:215,879,046, A>C on the plus strand (T>G on the coding strand, the complement: USH2A is on the minus strand). VCF-style: chr1-215879046-A-C. GRCh37 (hg19) VCF-style: chr1-216052388-A-C.
Other names: c.8276T>G (NM_206933.2); short protein forms I2759S.
Identifiers: ClinVar variation 1371656 (VCV001371656.9), dbSNP rs949022186, ClinGen allele CA37434010.
Genomic context (GRCh38, chr1:215,879,046, plus strand): 5'-TTTTGACTTAACACTGCGGAAGTCACATTGGTTAAAGTGATGTGAGGGTCAGGCATGTGA[A>C]TCTCATAGCTAAGTATGTCTCCGTTCTGGATGAGTGGGGGTTTCCAAGTGACCTGAAATG-3'
Protein context (NP_996816.3, residues 2749-2769): IQNGDILSYE[Ile2759Ser]HMPDPHITLT